The following is an entry in ClinVar:

ClinVar aggregate classification (germline): Uncertain significance (1 of 4 stars; one submission).

Allele frequency attached by ClinVar (database versions not stated): ExAC 0.00001; gnomAD 0.00001; gnomAD exomes 0.00002; TOPMed 0.00002.
gnomAD v4.1: 18 of 1,209,761 alleles (0.0015%); highest among the groups gnomAD compares: Admixed American, 0.0022%; no homozygotes.

Submission:

Labcorp Genetics (formerly Invitae), Labcorp
Classification: Uncertain significance. Last evaluated: 2024-11-11. Review status: criteria provided, single submitter. Criteria: Invitae Variant Classification Sherloc (09022015). Collection method: clinical testing. Allele origin: germline.
Comment: This sequence change replaces phenylalanine, which is neutral and non-polar, with serine, which is neutral and polar, at codon 497 of the FRMD7 protein (p.Phe497Ser). This variant is present in population databases (rs745594201, gnomAD 0.001%). This variant has not been reported in the literature in individuals affected with FRMD7-related conditions. ClinVar contains an entry for this variant (Variation ID: 1950351). An algorithm developed to predict the effect of missense changes on protein structure and function (PolyPhen-2) suggests that this variant is likely to be disruptive. In summary, the available evidence is currently insufficient to determine the role of this variant in disease. Therefore, it has been classified as a Variant of Uncertain Significance.

NM_194277.3(FRMD7):c.1490T>C (p.Phe497Ser)

Gene: FRMD7 (FERM domain containing 7; minus strand). Cytogenetic location: Xq26.2.
Variant type: single nucleotide variant.
Coding change: c.1490T>C on transcript NM_194277.3 (MANE Select); coding-DNA position 1490, T replaced by C.
Protein change: p.Phe497Ser; replaces phenylalanine 497 with serine.
Molecular consequence: missense variant.
Genome position (GRCh38, 1-based): chrX:132,078,527, A>G on the plus strand (T>C on the coding strand, the complement: FRMD7 is on the minus strand). VCF-style: chrX-132078527-A-G. GRCh37 (hg19) VCF-style: chrX-131212555-A-G.
Other names: c.1445T>C, p.Phe482Ser (NM_001306193.2); short protein forms F482S, F497S.
Identifiers: ClinVar variation 1950351 (VCV001950351.5), dbSNP rs745594201, ClinGen allele CA10518856.